The following is an entry in ClinVar:

NM_015214.3(DDHD2):c.891G>A (p.Arg297=)

Gene: DDHD2 (DDHD domain containing 2; plus strand). Cytogenetic location: 8p11.23.
Variant type: single nucleotide variant.
Coding change: c.891G>A on transcript NM_015214.3 (MANE Select); coding-DNA position 891, G replaced by A.
Protein change: p.Arg297=; no amino-acid change (arginine 297 retained).
Molecular consequence: synonymous variant. On other transcripts: non-coding transcript variant (2).
Genome position (GRCh38, 1-based): chr8:38,245,784, G>A. VCF-style: chr8-38245784-G-A. GRCh37 (hg19) VCF-style: chr8-38103302-G-A.
Other names: c.891G>A, p.Arg297= (NM_001164232.2, NM_001362911.2, NM_001362912.2 and 1 more transcripts); c.801G>A, p.Arg267= (NM_001362913.2).
Identifiers: ClinVar variation 2658543 (VCV002658543.24), dbSNP rs369986054, ClinGen allele CA4716113.

ClinVar aggregate classification (germline): Likely benign (1 of 4 stars; one submission).

Allele frequency attached by ClinVar (database versions not stated): ExAC 0.00001; ESP Exome Variant Server 0.00008.
gnomAD v4.1: 2 of 1,614,100 alleles (0.00012%); highest among the groups gnomAD compares: Non-Finnish European, 0.00017%; no homozygotes.

Submission:

CeGaT Center for Human Genetics Tuebingen
Classification: Likely benign. Last evaluated: 2022-12-01. Review status: criteria provided, single submitter. Criteria: CeGaT Center For Human Genetics Tuebingen Variant Classification Criteria Version 2. Collection method: clinical testing. Allele origin: germline. Affected: yes. Observed: 1 variant allele.
Comment: DDHD2: BP4, BP7